The following is an entry in ClinVar:

ClinVar aggregate classification (germline): Uncertain significance (1 of 4 stars; one submission).

gnomAD v4.1: 2 of 1,613,450 alleles (0.00012%); highest among the groups gnomAD compares: Non-Finnish European, 0.00017%; no homozygotes.

Submission:

GeneDx
Classification: Uncertain significance. Last evaluated: 2025-03-25. Review status: criteria provided, single submitter. Criteria: GeneDx Variant Classification Process June 2021. Collection method: clinical testing. Allele origin: germline. Affected: yes.
Comment: Not observed at significant frequency in large population cohorts (gnomAD); In silico analysis supports that this missense variant has a deleterious effect on protein structure/function; Has not been previously published as pathogenic or benign to our knowledge

NM_015076.5(CDK19):c.1448A>G (p.Tyr483Cys)

Gene: CDK19 (cyclin dependent kinase 19; minus strand). Cytogenetic location: 6q21.
Variant type: single nucleotide variant.
Coding change: c.1448A>G on transcript NM_015076.5 (MANE Select); coding-DNA position 1448, A replaced by G.
Protein change: p.Tyr483Cys; replaces tyrosine 483 with cysteine.
Molecular consequence: missense variant.
Genome position (GRCh38, 1-based): chr6:110,614,596, T>C on the plus strand (A>G on the coding strand, the complement: CDK19 is on the minus strand). VCF-style: chr6-110614596-T-C. GRCh37 (hg19) VCF-style: chr6-110935799-T-C.
Other names: c.1316A>G, p.Tyr439Cys (NM_001300960.2); c.1268A>G, p.Tyr423Cys (NM_001300963.2, NM_001300964.2); short protein forms Y483C, Y423C, Y439C.
Identifiers: ClinVar variation 4087946 (VCV004087946.1).